The following is an entry in ClinVar:

ClinVar aggregate classification (germline): Pathogenic. Review status: criteria provided, multiple submitters, no conflicts (2 of 4 stars). 6 submissions from 6 submitters: Pathogenic (6). Last evaluated 2025-03-18.

Conditions:
Carnitine acylcarnitine translocase deficiency (CACTD). Identifiers: Orphanet 159, MedGen C0342791, MONDO:0008918, OMIM 212138.

Allele frequency attached by ClinVar (database versions not stated): ExAC 0.00002; gnomAD exomes 0.00003; gnomAD 0.00004 and 0.00005.
gnomAD v4.1: 50 of 1,607,080 alleles (0.0031%); highest among the groups gnomAD compares: Admixed American, 0.0067%; no homozygotes.

Submissions (6):

First Genomix Gene Laboratory, Genetic Diagnostics Department
Classification: Pathogenic for Carnitine acylcarnitine translocase deficiency. Last evaluated: 2025-03-18. Review status: criteria provided, single submitter. Criteria: ACMG Guidelines, 2015. Collection method: clinical testing. Allele origin: germline. Inheritance: Autosomal recessive inheritance. Affected: no. Observed: 1 variant allele.

Labcorp Genetics (formerly Invitae), Labcorp
Classification: Pathogenic for Carnitine acylcarnitine translocase deficiency. Last evaluated: 2024-10-19. Review status: criteria provided, single submitter. Criteria: Invitae Variant Classification Sherloc (09022015). Collection method: clinical testing. Allele origin: germline.
Comment: This sequence change creates a premature translational stop signal (p.Arg178*) in the SLC25A20 gene. It is expected to result in an absent or disrupted protein product. Loss-of-function variants in SLC25A20 are known to be pathogenic (PMID: 25614308). This variant is present in population databases (rs778220325, gnomAD 0.009%). This premature translational stop signal has been observed in individuals with carnitine acylcarnitine translocase deficiency (PMID: 12559850, 12801121, 25614308). ClinVar contains an entry for this variant (Variation ID: 545967). For these reasons, this variant has been classified as Pathogenic.

Fulgent Genetics
Classification: Pathogenic for Carnitine acylcarnitine translocase deficiency. Last evaluated: 2021-12-07. Review status: criteria provided, single submitter. Criteria: ACMG Guidelines, 2015. Collection method: clinical testing. Allele origin: unknown.

Greenwood Genetic Center Diagnostic Laboratories, Greenwood Genetic Center
Classification: Pathogenic. Last evaluated: 2021-03-12. Review status: criteria provided, single submitter. Criteria: ACMG Guidelines, 2015. Collection method: clinical testing. Allele origin: germline. Affected: yes.
Comment: PVS1, PP4, PM2, PS4_supporting

GeneDx
Classification: Pathogenic. Last evaluated: 2019-12-06. Review status: criteria provided, single submitter. Criteria: GeneDx Variant Classification Process June 2021. Collection method: clinical testing. Allele origin: germline. Affected: yes.
Comment: Nonsense variant predicted to result in protein truncation or nonsense mediated decay in a gene for which loss-of-function is a known mechanism of disease; Not observed at a significant frequency in large population cohorts (Lek et al., 2016); This variant is associated with the following publications: (PMID: 12801121, 25525159, 25614308, 15365988, 31980526, 31589614)

Women's Health and Genetics/Laboratory Corporation of America, LabCorp
Classification: Pathogenic for Carnitine acylcarnitine translocase deficiency. Last evaluated: 2018-11-19. Review status: criteria provided, single submitter. Criteria: LabCorp Variant Classification Summary - May 2015. Collection method: clinical testing. Allele origin: germline.
Comment: Variant summary: SLC25A20 c.532C>T (p.Arg178X) results in a premature termination codon, predicted to cause a truncation of the encoded protein or absence of the protein due to nonsense mediated decay, which are commonly known mechanisms for disease. The variant allele was found at a frequency of 2.9e-05 in 277186 control chromosomes (gnbomAD). The variant, c.532C>T, has been reported in the literature in individuals affected with Carnitine-Acylcarnitine Translocase Deficiency (Vitoria_2014, Costa_2003). These data indicate that the variant is likely to be associated with disease. At least one publication reports experimental evidence evaluating an impact on protein function. The most pronounced variant effect results in <10% of normal activity. One clinical diagnostic laboratory has submitted clinical-significance assessments for this variant to ClinVar after 2014 without evidence for independent evaluation and classified the variant as pathogenic. Based on the evidence outlined above, the variant was classified as pathogenic.

Literature cited by the submitters: PubMed 25614308 (cited by Labcorp Genetics (formerly Invitae), Labcorp and Women's Health and Genetics/Laboratory Corporation of America, LabCorp); PubMed 12559850 (cited by Labcorp Genetics (formerly Invitae), Labcorp and Women's Health and Genetics/Laboratory Corporation of America, LabCorp); PubMed 12801121 (cited by Labcorp Genetics (formerly Invitae), Labcorp).

NM_000387.6(SLC25A20):c.532C>T (p.Arg178Ter)

Gene: SLC25A20 (solute carrier family 25 member 20; minus strand). Cytogenetic location: 3p21.31.
Variant type: single nucleotide variant.
Coding change: c.532C>T on transcript NM_000387.6 (MANE Select); coding-DNA position 532, C replaced by T.
Protein change: p.Arg178Ter; replaces arginine 178 with a stop codon.
Molecular consequence: nonsense.
Genome position (GRCh38, 1-based): chr3:48,862,545, G>A on the plus strand (C>T on the coding strand, the complement: SLC25A20 is on the minus strand). VCF-style: chr3-48862545-G-A. GRCh37 (hg19) VCF-style: chr3-48899978-G-A.
Other names: short protein forms R178*.
Identifiers: ClinVar variation 545967 (VCV000545967.17), dbSNP rs778220325, ClinGen allele CA2387380.
Genomic context (GRCh38, chr3:48,862,545, plus strand): 5'-CAGACCCACCTCAGGTGACCTCCCCAGGTGACCTCAAGTGGAGGCCTGAAAGGTTACCTC[G>A]CATAAGGGTAAGCACAGTCCCTTTGTAGATGCCTCGGATCCCAAACTCCTGGTACAGCTT-3'